The following is an entry in ClinVar:

Conditions:
Arteriohepatic dysplasia. Also called: Alagille Syndrome. Identifiers: Orphanet 52, MedGen C0085280, MeSH D016738, MONDO:0007318.

Submission:

Gilbert/Spinner Lab, Children's Hospital of Philadelphia
No classification provided (evidence only). Condition: Alagille syndrome. Review status: no classification provided. Collection method: research. Allele origin: not applicable. Functional consequence: functionally_abnormal.
ClinVar note: "not provided" was previously submitted as the classification for the variant. However, the classification appeared to be based only on an observation of functional data so it was converted to no classification on 2025-07-30.

NM_000214.3(JAG1):c.56C>A (p.Ala19Asp)

Gene: JAG1 (jagged canonical Notch ligand 1; minus strand). Cytogenetic location: 20p12.2.
Variant type: single nucleotide variant.
Coding change: c.56C>A on transcript NM_000214.3 (MANE Select); coding-DNA position 56, C replaced by A.
Protein change: p.Ala19Asp; replaces alanine 19 with aspartic acid.
Molecular consequence: missense variant.
Genome position (GRCh38, 1-based): chr20:10,673,475, G>T on the plus strand (C>A on the coding strand, the complement: JAG1 is on the minus strand). VCF-style: chr20-10673475-G-T. GRCh37 (hg19) VCF-style: chr20-10654123-G-T.
Other names: short protein forms A19D.
Identifiers: ClinVar variation 3573212 (VCV003573212.2).